The following is an entry in ClinVar:

NM_001267550.2(TTN):c.3386A>G (p.Lys1129Arg)

Gene: TTN (titin; minus strand). Cytogenetic location: 2q31.2.
Variant type: single nucleotide variant.
Coding change: c.3386A>G on transcript NM_001267550.2 (MANE Select); coding-DNA position 3386, A replaced by G.
Protein change: p.Lys1129Arg; replaces lysine 1129 with arginine.
Molecular consequence: missense variant.
Genome position (GRCh38, 1-based): chr2:178,781,258, T>C on the plus strand (A>G on the coding strand, the complement: TTN is on the minus strand). VCF-style: chr2-178781258-T-C. GRCh37 (hg19) VCF-style: chr2-179645985-T-C.
Other names: c.3386A>G, p.Lys1129Arg (NM_133378.4, NM_001256850.1, NM_133379.5); c.3248A>G, p.Lys1083Arg (NM_003319.4, NM_133432.3, NM_133437.4); short protein forms K1129R, K1083R.
Identifiers: ClinVar variation 535490 (VCV000535490.9), dbSNP rs181375012, ClinGen allele CA2005562.

ClinVar aggregate classification (germline): Conflicting classifications of pathogenicity. Review status: criteria provided, conflicting classifications (1 of 4 stars). 7 submissions from 3 submitters: Uncertain significance (4); Benign (1); Likely benign (2). Last evaluated 2020-07-08.

Conditions:
Early-onset myopathy with fatal cardiomyopathy (CMYO5). Also called: CONGENITAL MYOPATHY 5 WITH CARDIOMYOPATHY; Salih Myopathy. Identifiers: Orphanet 289377, MedGen C2673677, MONDO:0012714, OMIM 611705. Disease mechanism: loss of function.
Myopathy, myofibrillar, 9, with early respiratory failure (MFM9). Also called: EDSTROM MYOPATHY; MYOPATHY, PROXIMAL, WITH EARLY RESPIRATORY MUSCLE INVOLVEMENT; Hereditary myopathy with early respiratory failure; Myopathy, distal, with early respiratory failure, autosomal dominant. Identifiers: Orphanet 178464, Orphanet 34521, MedGen C1863599, MONDO:0011362, OMIM 603689.
Autosomal recessive limb-girdle muscular dystrophy type 2J (LGMDR10). Also called: Limb-girdle muscular dystrophy, type 2J; MUSCULAR DYSTROPHY, LIMB-GIRDLE, AUTOSOMAL RECESSIVE 10. Identifiers: Orphanet 140922, MedGen C1837342, MONDO:0012127, OMIM 608807.
Cardiovascular phenotype. Identifiers: MedGen CN230736.
Tibial muscular dystrophy (TMD). Also called: UDD MYOPATHY; Udd Distal Myopathy – Tibial Muscular Dystrophy; Tibial muscular dystrophy, tardive. Identifiers: Orphanet 609, MedGen C1838244, MONDO:0010870, OMIM 600334.
Dilated cardiomyopathy 1G (CMD1G). Identifiers: Orphanet 154, MedGen C1858763, MONDO:0011400, OMIM 604145.

Allele frequency attached by ClinVar (database versions not stated): gnomAD exomes 0.00002 and 0.00006; gnomAD 0.00003 and 0.00001; ExAC 0.00004; 1000 Genomes Project 30x 0.00031; 1000 Genomes Project 0.00040; TOPMed below 0.00001.
gnomAD v4.1: 88 of 1,613,982 alleles (0.0055%); highest among the groups gnomAD compares: East Asian, 0.19%; no homozygotes.

Submissions (7):

Ambry Genetics
Classification: Likely benign for Cardiovascular phenotype. Last evaluated: 2020-07-08. Review status: criteria provided, single submitter. Criteria: Ambry Variant Classification Scheme 2023. Collection method: clinical testing. Allele origin: germline.

Illumina Laboratory Services, Illumina
Classification: Uncertain significance for Autosomal recessive limb-girdle muscular dystrophy type 2J. Last evaluated: 2018-01-13. Review status: criteria provided, single submitter. Criteria: ICSL Variant Classification Criteria 13 December 2019. Collection method: clinical testing. Allele origin: germline.

Illumina Laboratory Services, Illumina
Classification: Uncertain significance for Dilated cardiomyopathy 1G. Last evaluated: 2018-01-13. Review status: criteria provided, single submitter. Criteria: ICSL Variant Classification Criteria 13 December 2019. Collection method: clinical testing. Allele origin: germline.

Illumina Laboratory Services, Illumina
Classification: Benign for Tibial muscular dystrophy. Last evaluated: 2018-01-13. Review status: criteria provided, single submitter. Criteria: ICSL Variant Classification Criteria 13 December 2019. Collection method: clinical testing. Allele origin: germline.
Comment: This variant was observed in the ICSL laboratory as part of a predisposition screen in an ostensibly healthy population. It had not been previously curated by ICSL or reported in the Human Gene Mutation Database (HGMD: prior to June 1st, 2018), and was therefore a candidate for classification through an automated scoring system. Utilizing variant allele frequency, disease prevalence and penetrance estimates, and inheritance mode, an automated score was calculated to assess if this variant is too frequent to cause the disease. Based on the score and internal cut-off values, a variant classified as benign is not then subjected to further curation. The score for this variant resulted in a classification of benign for this disease.

Illumina Laboratory Services, Illumina
Classification: Likely benign for Myopathy, myofibrillar, 9, with early respiratory failure. Last evaluated: 2018-01-13. Review status: criteria provided, single submitter. Criteria: ICSL Variant Classification Criteria 13 December 2019. Collection method: clinical testing. Allele origin: germline.
Comment: This variant was observed in the ICSL laboratory as part of a predisposition screen in an ostensibly healthy population. It had not been previously curated by ICSL or reported in the Human Gene Mutation Database (HGMD: prior to June 1st, 2018), and was therefore a candidate for classification through an automated scoring system. Utilizing variant allele frequency, disease prevalence and penetrance estimates, and inheritance mode, an automated score was calculated to assess if this variant is too frequent to cause the disease. Based on the score and internal cut-off values, a variant classified as likely benign is not then subjected to further curation. The score for this variant resulted in a classification of likely benign for this disease.

Illumina Laboratory Services, Illumina
Classification: Uncertain significance for Early-onset myopathy with fatal cardiomyopathy. Last evaluated: 2018-01-13. Review status: criteria provided, single submitter. Criteria: ICSL Variant Classification Criteria 13 December 2019. Collection method: clinical testing. Allele origin: germline.

Labcorp Genetics (formerly Invitae), Labcorp
Classification: Uncertain significance for Dilated cardiomyopathy 1G; Autosomal recessive limb-girdle muscular dystrophy type 2J. Last evaluated: 2017-10-16. Review status: criteria provided, single submitter. Criteria: Invitae Variant Classification Sherloc (09022015). Collection method: clinical testing. Allele origin: germline.